The following is an entry in ClinVar:

NM_001829.4(CLCN3):c.819G>A (p.Val273=)

Gene: CLCN3 (Cl-/H+ antiporter 3; plus strand). Cytogenetic location: 4q33.
Variant type: single nucleotide variant.
Coding change: c.819G>A on transcript NM_001829.4 (MANE Select); coding-DNA position 819, G replaced by A.
Protein change: p.Val273=; no amino-acid change (valine 273 retained).
Molecular consequence: synonymous variant.
Genome position (GRCh38, 1-based): chr4:169,692,203, G>A. VCF-style: chr4-169692203-G-A. GRCh37 (hg19) VCF-style: chr4-170613354-G-A.
Other names: c.819G>A, p.Val273= (NM_001243372.2, NM_173872.4); c.738G>A, p.Val246= (NM_001243374.2).
Identifiers: ClinVar variation 5038922 (VCV005038922.1).

ClinVar aggregate classification (germline): Likely benign (1 of 4 stars; one submission).

gnomAD v4.1: 99 of 1,612,522 alleles (0.0061%); highest among the groups gnomAD compares: Non-Finnish European, 0.0069%; 1 homozygote.

Submission:

CeGaT Center for Human Genetics Tuebingen
Classification: Likely benign. Last evaluated: 2026-07-01. Review status: criteria provided, single submitter. Criteria: CeGaT Center For Human Genetics Tuebingen Variant Classification Criteria Version 2. Collection method: clinical testing. Allele origin: germline. Affected: yes. Observed: 1 variant allele.
Comment: CLCN3: BP4, BP7